The following is an entry in ClinVar:

ClinVar aggregate classification (germline): Conflicting classifications of pathogenicity. Review status: criteria provided, conflicting classifications (1 of 4 stars). 2 submissions from 2 submitters: Uncertain significance (1); Likely benign (1). Last evaluated 2025-03-25.

Conditions:
Dystonia 12 (DYT12). Also called: Rapid-Onset Dystonia-Parkinsonism (RDP); DYT-ATP1A3. Identifiers: Orphanet 71517, MedGen C1868681, MONDO:0007496, OMIM 128235.

Allele frequency attached by ClinVar (database versions not stated): gnomAD exomes below 0.00001 and 0.00001; gnomAD 0.00001.
gnomAD v4.1: 11 of 1,613,982 alleles (0.00068%); highest among the groups gnomAD compares: Non-Finnish European, 0.00093%; no homozygotes.

Submissions (2):

Women's Health and Genetics/Laboratory Corporation of America, LabCorp
Classification: Uncertain significance. Last evaluated: 2025-03-25. Review status: criteria provided, single submitter. Criteria: LabCorp Variant Classification Summary - May 2015. Collection method: clinical testing. Allele origin: germline.
Comment: Variant summary: ATP1A3 c.2095-6C>T alters a nucleotide located close to a canonical splice site and therefore could affect mRNA splicing, leading to a significantly altered protein sequence. Consensus agreement among computation tools predict no significant impact on normal splicing. However, these predictions have yet to be confirmed by functional studies. The variant allele was found at a frequency of 4e-06 in 250618 control chromosomes. The available data on variant occurrences in the general population are insufficient to allow any conclusion about variant significance. To our knowledge, no occurrence of c.2095-6C>T in individuals affected with ATP1A3-Related Disorders and no experimental evidence demonstrating its impact on protein function have been reported. ClinVar contains an entry for this variant (Variation ID: 1083168). Based on the evidence outlined above, the variant was classified as uncertain significance.

Labcorp Genetics (formerly Invitae), Labcorp
Classification: Likely benign for Dystonia 12. Last evaluated: 2023-09-22. Review status: criteria provided, single submitter. Criteria: Invitae Variant Classification Sherloc (09022015). Collection method: clinical testing. Allele origin: germline.

NM_152296.5(ATP1A3):c.2095-6C>T

Gene: ATP1A3 (ATPase Na+/K+ transporting subunit alpha 3; minus strand). Cytogenetic location: 19q13.2.
Variant type: single nucleotide variant.
Coding change: c.2095-6C>T on transcript NM_152296.5 (MANE Select); 6 bases into the intron before coding-DNA position 2095, C replaced by T.
Molecular consequence: intron variant.
Genome position (GRCh38, 1-based): chr19:41,975,803, G>A on the plus strand (C>T on the coding strand, the complement: ATP1A3 is on the minus strand). VCF-style: chr19-41975803-G-A. GRCh37 (hg19) VCF-style: chr19-42479955-G-A.
Other names: c.2134-6C>T (NM_001256214.2); c.2128-6C>T (NM_001256213.2).
Identifiers: ClinVar variation 1083168 (VCV001083168.10), dbSNP rs1555860861, ClinGen allele CA633471706.